The following is an entry in ClinVar:

NM_001278431.2(C1QTNF5):c.215-3C>T

Genes: C1QTNF5 (C1q and TNF related 5; minus strand), MFRP (membrane frizzled-related protein; minus strand). Cytogenetic location: 11q23.3.
Variant type: single nucleotide variant.
Coding change: c.215-3C>T on transcript NM_001278431.2 (MANE Select); 3 bases into the intron before coding-DNA position 215, C replaced by T.
Molecular consequence: intron variant.
Genome position (GRCh38, 1-based): chr11:119,339,851, G>A on the plus strand (C>T on the coding strand, the complement: C1QTNF5 is on the minus strand). VCF-style: chr11-119339851-G-A. GRCh37 (hg19) VCF-style: chr11-119210561-G-A.
Other names: c.215-3C>T (NM_015645.5); c.*1111-3C>T (NM_031433.4).
Identifiers: ClinVar variation 1517901 (VCV001517901.6), dbSNP rs1246824857, ClinGen allele CA672458585.

ClinVar aggregate classification (germline): Uncertain significance (1 of 4 stars; one submission).

Allele frequency attached by ClinVar (database versions not stated): gnomAD exomes below 0.00001.
gnomAD v4.1: 6 of 1,467,620 alleles (0.00041%); highest among the groups gnomAD compares: African/African-American, 0.0057%; no homozygotes.

Submission:

Labcorp Genetics (formerly Invitae), Labcorp
Classification: Uncertain significance. Last evaluated: 2025-10-21. Review status: criteria provided, single submitter. Criteria: Invitae Variant Classification Sherloc (09022015). Collection method: clinical testing. Allele origin: germline.
Comment: This sequence change falls in intron 14 of the C1QTNF5 gene. It does not directly change the encoded amino acid sequence of the C1QTNF5 protein. It affects a nucleotide within the consensus splice site. This variant is not present in population databases (gnomAD no frequency). This variant has not been reported in the literature in individuals affected with C1QTNF5-related conditions. ClinVar contains an entry for this variant (Variation ID: 1517901). Variants that disrupt the consensus splice site are a relatively common cause of aberrant splicing (PMID: 17576681, 9536098). Algorithms developed to predict the effect of sequence changes on RNA splicing suggest that this variant is not likely to affect RNA splicing. In summary, the available evidence is currently insufficient to determine the role of this variant in disease. Therefore, it has been classified as a Variant of Uncertain Significance.

Literature cited by the submitters: PubMed 17576681; PubMed 9536098.